The following is an entry in ClinVar:

NM_000133.4(F9):c.971C>A (p.Pro324His)

Gene: F9 (coagulation factor IX; plus strand). Cytogenetic location: Xq27.1.
Variant type: single nucleotide variant.
Coding change: c.971C>A on transcript NM_000133.4 (MANE Select); coding-DNA position 971, C replaced by A.
Protein change: p.Pro324His; replaces proline 324 with histidine.
Molecular consequence: missense variant.
Genome position (GRCh38, 1-based): chrX:139,561,656, C>A. VCF-style: chrX-139561656-C-A. GRCh37 (hg19) VCF-style: chrX-138643815-C-A.
Other names: c.857C>A, p.Pro286His (NM_001313913.2); short protein forms P286H, P324H.
Identifiers: ClinVar variation 2627159 (VCV002627159.2), dbSNP rs1225527981, ClinGen allele CA414445085.

ClinVar aggregate classification (germline): Conflicting classifications of pathogenicity. Review status: criteria provided, conflicting classifications (1 of 4 stars). 2 submissions from 2 submitters: Likely pathogenic (1); Uncertain significance (1). Last evaluated 2025-11-19.

Conditions:
F9-related disorder. Also called: F9-related condition.

Allele frequency attached by ClinVar (database versions not stated): gnomAD exomes below 0.00001.
gnomAD v4.1: 4 of 1,211,792 alleles (0.00033%); highest among the groups gnomAD compares: Non-Finnish European, 0.00045%; no homozygotes.

Submissions (2):

PreventionGenetics, part of Exact Sciences
Classification: Likely pathogenic for F9-related condition. Last evaluated: 2025-11-19. Review status: criteria provided, single submitter. Criteria: ACMG Guidelines, 2015. Collection method: clinical testing. Allele origin: germline.
Comment: The F9 c.971C>A variant is predicted to result in the amino acid substitution p.Pro324His. This variant has been reported in at least 4 individuals with hemophilia or bleeding symptoms (Supplementary table S7c, Johnsen et al. 2017. PubMed ID: 29296726; Supplementary table ST3.4, Stefanucci et al. 2023. PubMed ID: 37647632). This variant has not been reported in a large population database, indicating this variant is rare. This variant is interpreted as likely pathogenic.

Women's Health and Genetics/Laboratory Corporation of America, LabCorp
Classification: Uncertain significance. Last evaluated: 2023-09-08. Review status: criteria provided, single submitter. Criteria: LabCorp Variant Classification Summary - May 2015. Collection method: clinical testing. Allele origin: germline.
Comment: Variant summary: F9 c.971C>A (p.Pro324His) results in a non-conservative amino acid change located in the Serine proteases, trypsin domain (IPR001254) of the encoded protein sequence. Five of five in-silico tools predict a damaging effect of the variant on protein function. The variant was absent in 183357 control chromosomes (gnomAD). The available data on variant occurrences in the general population are insufficient to allow any conclusion about variant significance. To our knowledge, no occurrence of c.971C>A in individuals affected with Factor IX Deficiency (Hemophilia B) and no experimental evidence demonstrating its impact on protein function have been reported in the literature, although it was reported in a mild hemophilia patient in the F9 Variant Database. No submitters have cited clinical-significance assessments for this variant to ClinVar after 2014. Based on the evidence outlined above, the variant was classified as uncertain significance.